The following is an entry in ClinVar:

ClinVar aggregate classification (germline): Uncertain significance (1 of 4 stars; one submission).

Submission:

Ambry Genetics
Classification: Uncertain significance. Last evaluated: 2026-08-16. Review status: criteria provided, single submitter. Criteria: Ambry Variant Classification Scheme 2023. Collection method: clinical testing. Allele origin: germline.
Comment: The p.P230Q variant (also known as c.689C>A), located in coding exon 1 of the MC1R gene, results from a C to A substitution at nucleotide position 689. The proline at codon 230 is replaced by glutamine, an amino acid with similar properties. This amino acid position is conserved. In addition, this alteration is predicted to be tolerated by in silico analysis. Based on the available evidence, the clinical significance of this variant remains unclear.

NM_002386.4(MC1R):c.689C>A (p.Pro230Gln)

Gene: MC1R (melanocortin 1 receptor; plus strand). Cytogenetic location: 16q24.3.
Variant type: single nucleotide variant.
Coding change: c.689C>A on transcript NM_002386.4 (MANE Select); coding-DNA position 689, C replaced by A.
Protein change: p.Pro230Gln; replaces proline 230 with glutamine.
Molecular consequence: missense variant.
Genome position (GRCh38, 1-based): chr16:89,919,947, C>A. VCF-style: chr16-89919947-C-A. GRCh37 (hg19) VCF-style: chr16-89986355-C-A.
Other names: short protein forms P230Q.
Identifiers: ClinVar variation 5024081 (VCV005024081.1).